The following is an entry in ClinVar:

NM_001008537.3(NEXMIF):c.398C>T (p.Ala133Val)

Gene: NEXMIF (neurite extension and migration factor; minus strand). Cytogenetic location: Xq13.3.
Variant type: single nucleotide variant.
Coding change: c.398C>T on transcript NM_001008537.3 (MANE Select); coding-DNA position 398, C replaced by T.
Protein change: p.Ala133Val; replaces alanine 133 with valine.
Molecular consequence: missense variant.
Genome position (GRCh38, 1-based): chrX:74,744,159, G>A on the plus strand (C>T on the coding strand, the complement: NEXMIF is on the minus strand). VCF-style: chrX-74744159-G-A. GRCh37 (hg19) VCF-style: chrX-73963994-G-A.
Other names: short protein forms A133V.
Identifiers: ClinVar variation 1389103 (VCV001389103.6), dbSNP rs2147441684, ClinGen allele CA413673544.

ClinVar aggregate classification (germline): Uncertain significance (1 of 4 stars; one submission).

Submission:

Labcorp Genetics (formerly Invitae), Labcorp
Classification: Uncertain significance. Last evaluated: 2021-11-19. Review status: criteria provided, single submitter. Criteria: Invitae Variant Classification Sherloc (09022015). Collection method: clinical testing. Allele origin: germline.
Comment: This sequence change replaces alanine, which is neutral and non-polar, with valine, which is neutral and non-polar, at codon 133 of the NEXMIF protein (p.Ala133Val). This variant is not present in population databases (gnomAD no frequency). This variant has not been reported in the literature in individuals affected with NEXMIF-related conditions. Algorithms developed to predict the effect of missense changes on protein structure and function (SIFT, PolyPhen-2, Align-GVGD) all suggest that this variant is likely to be disruptive. In summary, the available evidence is currently insufficient to determine the role of this variant in disease. Therefore, it has been classified as a Variant of Uncertain Significance.